The following is an entry in ClinVar:

NM_000389.5(CDKN1A):c.468G>A (p.Arg156=)

Gene: CDKN1A (cyclin dependent kinase inhibitor 1A; plus strand). Cytogenetic location: 6p21.2.
Variant type: single nucleotide variant.
Coding change: c.468G>A on transcript NM_000389.5 (MANE Select); coding-DNA position 468, G replaced by A.
Protein change: p.Arg156=; no amino-acid change (arginine 156 retained).
Molecular consequence: synonymous variant. On other transcripts: 3 prime UTR variant (1).
Genome position (GRCh38, 1-based): chr6:36,685,773, G>A. VCF-style: chr6-36685773-G-A. GRCh37 (hg19) VCF-style: chr6-36653550-G-A.
Other names: c.468G>A, p.Arg156= (NM_001220777.2, NM_001220778.2, NM_001374513.1 and 1 more transcripts); c.570G>A, p.Arg190= (NM_001291549.3, NM_001374509.1); c.507G>A, p.Arg169= (NM_001374510.1); c.567G>A, p.Arg189= (NM_001374511.1); c.*263G>A (NM_001374512.1).
Identifiers: ClinVar variation 4534228 (VCV004534228.6).

ClinVar aggregate classification (germline): Likely benign (1 of 4 stars; one submission).

Submission:

CeGaT Center for Human Genetics Tuebingen
Classification: Likely benign. Last evaluated: 2025-11-01. Review status: criteria provided, single submitter. Criteria: CeGaT Center For Human Genetics Tuebingen Variant Classification Criteria Version 2. Collection method: clinical testing. Allele origin: germline. Affected: yes. Observed: 1 variant allele.
Comment: CDKN1A: BP4, BP7